The following is an entry in ClinVar:

ClinVar aggregate classification (germline): Uncertain significance (1 of 4 stars; one submission).

gnomAD v4.1: 3 of 1,613,010 alleles (0.00019%); highest among the groups gnomAD compares: Middle Eastern, 0.017%; no homozygotes.

Submission:

Labcorp Genetics (formerly Invitae), Labcorp
Classification: Uncertain significance. Last evaluated: 2022-03-19. Review status: criteria provided, single submitter. Criteria: Invitae Variant Classification Sherloc (09022015). Collection method: clinical testing. Allele origin: germline.
Comment: This sequence change replaces arginine, which is basic and polar, with tryptophan, which is neutral and slightly polar, at codon 97 of the SLC6A19 protein (p.Arg97Trp). This variant is not present in population databases (gnomAD no frequency). This variant has not been reported in the literature in individuals affected with SLC6A19-related conditions. Advanced modeling of protein sequence and biophysical properties (such as structural, functional, and spatial information, amino acid conservation, physicochemical variation, residue mobility, and thermodynamic stability) performed at Invitae indicates that this missense variant is expected to disrupt SLC6A19 protein function. In summary, the available evidence is currently insufficient to determine the role of this variant in disease. Therefore, it has been classified as a Variant of Uncertain Significance.

NM_001003841.3(SLC6A19):c.289C>T (p.Arg97Trp)

Gene: SLC6A19 (solute carrier family 6 member 19; plus strand). Cytogenetic location: 5p15.33.
Variant type: single nucleotide variant.
Coding change: c.289C>T on transcript NM_001003841.3 (MANE Select); coding-DNA position 289, C replaced by T.
Protein change: p.Arg97Trp; replaces arginine 97 with tryptophan.
Molecular consequence: missense variant.
Genome position (GRCh38, 1-based): chr5:1,208,832, C>T. VCF-style: chr5-1208832-C-T. GRCh37 (hg19) VCF-style: chr5-1208947-C-T.
Other names: short protein forms R97W.
Identifiers: ClinVar variation 1923768 (VCV001923768.2), dbSNP rs747155573, ClinGen allele CA359062855.